The following is an entry in ClinVar:

ClinVar aggregate classification (germline): Uncertain significance (1 of 4 stars; one submission).

Submission:

GeneDx
Classification: Uncertain significance. Last evaluated: 2026-04-11. Review status: criteria provided, single submitter. Criteria: GeneDx Variant Classification Process June 2021. Collection method: clinical testing. Allele origin: germline.
Comment: Not observed at significant frequency in large population cohorts (gnomAD); Frameshift variant predicted to result in abnormal protein length as the last 3 amino acid(s) are replaced with 6 different amino acid(s); Has not been previously published as pathogenic or benign to our knowledge

NM_015021.3(ZNF292):c.8160_8161dup (p.Gly2721fs)

Gene: ZNF292 (zinc finger protein 292; plus strand). Cytogenetic location: 6q14.3.
Variant type: Microsatellite.
Coding change: c.8160_8161dup on transcript NM_015021.3 (MANE Select); coding-DNA positions 8160 to 8161, 2 bases duplicated (AG; older notation c.8160_8161dupAG).
Protein change: p.Gly2721fs; shifts the reading frame from glycine 2721.
Molecular consequence: frameshift variant.
Genome position (GRCh38, 1-based): chr6:87,261,789-87,261,790, AG duplicated; duplicating any 2 consecutive bases within chr6:87,261,787-87,261,790 gives the same sequence; the c. name uses the placement nearest the transcript's 3' end. VCF-style (leftmost placement, unchanged base first): chr6-87261786-C-CAG. GRCh37 (hg19) VCF-style: chr6-87971504-C-CAG.
Other names: c.7740_7741dup, p.Gly2581fs (NM_001351444.2); short protein forms G2581fs, G2721fs.
Identifiers: ClinVar variation 5037074 (VCV005037074.1).